The following is an entry in ClinVar:

ClinVar aggregate classification (germline): Uncertain significance (1 of 4 stars; one submission).

Conditions:
Dyskeratosis congenita. Identifiers: Orphanet 1775, MedGen C0265965, MONDO:0015780.

Submission:

Labcorp Genetics (formerly Invitae), Labcorp
Classification: Uncertain significance for Dyskeratosis congenita. Last evaluated: 2023-10-13. Review status: criteria provided, single submitter. Criteria: Invitae Variant Classification Sherloc (09022015). Collection method: clinical testing. Allele origin: germline.
Comment: This sequence change replaces histidine, which is basic and polar, with proline, which is neutral and non-polar, at codon 489 of the CTC1 protein (p.His489Pro). This variant is not present in population databases (gnomAD no frequency). This variant has not been reported in the literature in individuals affected with CTC1-related conditions. ClinVar contains an entry for this variant (Variation ID: 1716989). Advanced modeling of protein sequence and biophysical properties (such as structural, functional, and spatial information, amino acid conservation, physicochemical variation, residue mobility, and thermodynamic stability) performed at Invitae indicates that this missense variant is not expected to disrupt CTC1 protein function. Algorithms developed to predict the effect of sequence changes on RNA splicing suggest that this variant may disrupt the consensus splice site. In summary, the available evidence is currently insufficient to determine the role of this variant in disease. Therefore, it has been classified as a Variant of Uncertain Significance.

NM_025099.6(CTC1):c.1466A>C (p.His489Pro)

Gene: CTC1 (CST telomere replication complex component 1; minus strand). Cytogenetic location: 17p13.1.
Variant type: single nucleotide variant.
Coding change: c.1466A>C on transcript NM_025099.6 (MANE Select); coding-DNA position 1466, A replaced by C.
Protein change: p.His489Pro; replaces histidine 489 with proline.
Molecular consequence: missense variant. On other transcripts: non-coding transcript variant (1).
Genome position (GRCh38, 1-based): chr17:8,234,900, T>G on the plus strand (A>C on the coding strand, the complement: CTC1 is on the minus strand). VCF-style: chr17-8234900-T-G. GRCh37 (hg19) VCF-style: chr17-8138218-T-G.
Other names: c.1466A>C, p.His489Pro (NM_001411067.1); short protein forms H489P.
Identifiers: ClinVar variation 1716989 (VCV001716989.5), dbSNP rs2507921495, ClinGen allele CA397984359.